The following is an entry in ClinVar:

NM_153704.6(TMEM67):c.1700A>G (p.Tyr567Cys)

Gene: TMEM67 (transmembrane protein 67; plus strand). Cytogenetic location: 8q22.1.
Variant type: single nucleotide variant.
Coding change: c.1700A>G on transcript NM_153704.6 (MANE Select); coding-DNA position 1700, A replaced by G.
Protein change: p.Tyr567Cys; replaces tyrosine 567 with cysteine.
Molecular consequence: missense variant. On other transcripts: non-coding transcript variant (1).
Genome position (GRCh38, 1-based): chr8:93,795,434, A>G. VCF-style: chr8-93795434-A-G. GRCh37 (hg19) VCF-style: chr8-94807662-A-G.
Other names: c.1457A>G, p.Tyr486Cys (NM_001142301.1); short protein forms Y567C, Y486C.
Identifiers: ClinVar variation 285516 (VCV000285516.63), dbSNP rs148726767, ClinGen allele CA4808059.
Genomic context (GRCh38, chr8:93,795,434, plus strand): 5'-CTTAAACAGCTGTAATTCTTTTTTTTAAATTGCAGACAGTTGTGAAATTCTTGGTGTACT[A>G]TGCTGGTGATCTGGCCAATGTTTTCTTTATCATCACAGTGGGAACAGGTCTTTACTGGCT-3'
Protein context (NP_714915.3, residues 557-577): LQTVVKFLVY[Tyr567Cys]AGDLANVFFI

ClinVar aggregate classification (germline): Uncertain significance. Review status: criteria provided, multiple submitters, no conflicts (2 of 4 stars). 10 submissions from 10 submitters: Uncertain significance (9). 1 of the submissions does not count toward it. Last evaluated 2026-08-31.

Conditions:
TMEM67-related disorder. Also called: TMEM67-related condition; TMEM67-related disorders. Identifiers: MedGen CN239423.
Kidney failure. Identifiers: MedGen C0035078, MONDO:0001106.
Meckel syndrome, type 3 (MKS3). Also called: MECKEL-GRUBER SYNDROME, TYPE 3. Identifiers: Orphanet 564, MedGen C1846357, MONDO:0011821, OMIM 607361.
Bardet-Biedl syndrome 14 (BBS14). Identifiers: Orphanet 110, MedGen C2673874, MONDO:0014442, OMIM 615991.
RHYNS syndrome. Also called: RETINITIS PIGMENTOSA SYNDROME; RETINITIS PIGMENTOSA, HYPOPITUITARISM, NEPHRONOPHTHISIS, AND MILD SKELETAL DYSPLASIA. Identifiers: Orphanet 140976, MedGen C1865794, MONDO:0011202, OMIM 602152.
Joubert syndrome 6 (JBTS6). Identifiers: Orphanet 475, MedGen C1853153, MONDO:0012539, OMIM 610688.
COACH syndrome 1. Identifiers: Orphanet 1454, MedGen C5435651, MONDO:0800103, OMIM 216360, MONDO:0008996.
Nephronophthisis 11 (NPHP11). Identifiers: Orphanet 84081, MedGen C3150796, MONDO:0013302, OMIM 613550.
Meckel-Gruber syndrome. Also called: GRUBER SYNDROME; DYSENCEPHALIA SPLANCHNOCYSTICA; Dysencephalia splachnocystica. Identifiers: Orphanet 564, MedGen C0265215, MONDO:0018921.
Joubert syndrome. Also called: Familial aplasia of the vermis; JOUBERT-BOLTSHAUSER SYNDROME. Identifiers: Orphanet 475, MedGen C5979921, MONDO:0018772.
Intellectual disability. Also called: Intellectual functioning disability; intellectual disabilities; Intellectual developmental disorder. Identifiers: MedGen C3714756, MeSH D008607, MONDO:0001071, HP:0001249.

Allele frequency attached by ClinVar (database versions not stated): ESP Exome Variant Server 0.00023; gnomAD 0.00003; gnomAD exomes 0.00004 and 0.00009; TOPMed 0.00006; ExAC 0.00012.
gnomAD v4.1: 79 of 1,614,088 alleles (0.0049%); highest among the groups gnomAD compares: Middle Eastern, 0.099%; no homozygotes.

Submissions (10):

PreventionGenetics, part of Exact Sciences
Classification: Uncertain significance for TMEM67-related condition. Last evaluated: 2026-08-31. Review status: criteria provided, single submitter. Criteria: ACMG Guidelines, 2015. Collection method: clinical testing. Allele origin: germline.
Comment: The TMEM67 c.1700A>G variant is predicted to result in the amino acid substitution p.Tyr567Cys. This variant has been reported in the homozygous state in an individual with Joubert syndrome (Supplementary Material, Doreille et al. 2023. PubMed ID: 36938085). This variant is reported in 0.023% of alleles in individuals of Latino descent in gnomAD. At this time, the clinical significance of this variant is uncertain due to the absence of conclusive functional and genetic evidence.

Women's Health and Genetics/Laboratory Corporation of America, LabCorp
Classification: Uncertain significance. Last evaluated: 2024-12-16. Review status: criteria provided, single submitter. Criteria: LabCorp Variant Classification Summary - May 2015. Collection method: clinical testing. Allele origin: germline.
Comment: Variant summary: TMEM67 c.1700A>G (p.Tyr567Cys) results in a non-conservative amino acid change in the encoded protein sequence. Four of five in-silico tools predict a damaging effect of the variant on protein function. The variant allele was found at a frequency of 8.8e-05 in 251402 control chromosomes. This frequency is not significantly higher than estimated for a pathogenic variant in TMEM67 causing Joubert Syndrome 6 (8.8e-05 vs 0.004), allowing no conclusion about variant significance. c.1700A>G has been reported in the literature in the heterozygous state in an individual with autosomal recessive retinitis pigmentosa and in an individual undergoing multigene panel testing for an unspecified ciliopathy phenotype, and also in the homozygous state in an individual with clinical features of Joubert Syndrome (Audo_2012, Redin_2012, Dorielle_2023). These data indicate that the variant may be associated with disease. To our knowledge, no experimental evidence demonstrating an impact on protein function has been reported. The following publications have been ascertained in the context of this evaluation (PMID: 22277662, 36938085, 22773737). ClinVar contains an entry for this variant (Variation ID: 285516). Based on the evidence outlined above, the variant was classified as VUS-possibly pathogenic.

Blueprint Genetics
Classification: Uncertain significance. Last evaluated: 2024-06-27. Review status: criteria provided, single submitter. Criteria: ACMG Guidelines, 2015. Collection method: clinical testing. Allele origin: germline.

Fulgent Genetics
Classification: Uncertain significance for COACH syndrome 1; RHYNS syndrome; Meckel syndrome, type 3; Joubert syndrome 6; Nephronophthisis 11; Bardet-Biedl syndrome 14. Last evaluated: 2024-02-20. Review status: criteria provided, single submitter. Criteria: ACMG Guidelines, 2015. Collection method: clinical testing. Allele origin: germline.

GeneDx
Classification: Uncertain significance. Last evaluated: 2022-11-09. Review status: criteria provided, single submitter. Criteria: GeneDx Variant Classification Process June 2021. Collection method: clinical testing. Allele origin: germline. Affected: yes.
Comment: Reported as heterozygous in a patient with a phenotype suggestive of autosomal recessive retinitis pigmentosa, though no second variant was identified in the TMEM67 gene (Audo et al., 2012); In silico analysis supports that this missense variant has a deleterious effect on protein structure/function; This variant is associated with the following publications: (PMID: 22277662)

Labcorp Genetics (formerly Invitae), Labcorp
Classification: Uncertain significance for Joubert syndrome; Meckel-Gruber syndrome. Last evaluated: 2022-10-18. Review status: criteria provided, single submitter. Criteria: Invitae Variant Classification Sherloc (09022015). Collection method: clinical testing. Allele origin: germline.
Comment: This sequence change replaces tyrosine, which is neutral and polar, with cysteine, which is neutral and slightly polar, at codon 567 of the TMEM67 protein (p.Tyr567Cys). This variant is present in population databases (rs148726767, gnomAD 0.02%). This variant has not been reported in the literature in individuals affected with TMEM67-related conditions. ClinVar contains an entry for this variant (Variation ID: 285516). Advanced modeling of protein sequence and biophysical properties (such as structural, functional, and spatial information, amino acid conservation, physicochemical variation, residue mobility, and thermodynamic stability) performed at Invitae indicates that this missense variant is expected to disrupt TMEM67 protein function. In summary, the available evidence is currently insufficient to determine the role of this variant in disease. Therefore, it has been classified as a Variant of Uncertain Significance.

CeGaT Center for Human Genetics Tuebingen
Classification: Uncertain significance. Last evaluated: 2022-10-01. Review status: criteria provided, single submitter. Criteria: CeGaT Center For Human Genetics Tuebingen Variant Classification Criteria Version 2. Collection method: clinical testing. Allele origin: germline. Affected: yes. Observed: 2 variant alleles.
Comment: TMEM67: PM2, PM3:Supporting

Cambridge Genomics Laboratory, East Genomic Laboratory Hub, NHS Genomic Medicine Service
Classification: Uncertain significance for Kidney failure. Last evaluated: 2020-04-22. Review status: criteria provided, single submitter. Criteria: ACGS Best Practice Guidelines for Variant Classification in Rare Disease 2020. Collection method: clinical testing. Allele origin: germline. Affected: yes. Observed: 1 variant allele.

Eurofins Ntd Llc (ga)
Classification: Uncertain significance. Last evaluated: 2016-01-22. Review status: criteria provided, single submitter. Criteria: EGL Classification Definitions 2015. Collection method: clinical testing. Allele origin: germline. Observed: 1 variant allele, 1 heterozygote.

Centre de Biologie Pathologie Génétique, Centre Hospitalier Universitaire de Lille
Classification: Uncertain significance for Intellectual disability. Last evaluated: 2019-01-01. Review status: no assertion criteria provided. Collection method: clinical testing. Allele origin: unknown. Affected: yes. Not counted in ClinVar's aggregate classification.

Literature cited by the submitters: PubMed 22773737 (cited by Women's Health and Genetics/Laboratory Corporation of America, LabCorp); PubMed 36938085 (cited by Women's Health and Genetics/Laboratory Corporation of America, LabCorp); PubMed 22277662 (cited by Women's Health and Genetics/Laboratory Corporation of America, LabCorp).